The following is an entry in ClinVar:

ClinVar aggregate classification (germline): Pathogenic (1 of 4 stars; one submission).

Conditions:
MPI-congenital disorder of glycosylation. Also called: MPI-CDG; MANNOSEPHOSPHATE ISOMERASE DEFICIENCY; MPI DEFICIENCY; CDG Ib; CONGENITAL DISORDER OF GLYCOSYLATION, TYPE Ib; PROTEIN-LOSING ENTEROPATHY-HEPATIC FIBROSIS SYNDROME. Identifiers: Orphanet 79319, MedGen C1865145, MONDO:0011257, OMIM 602579.

gnomAD v4.1: 1 of 1,614,234 alleles (0.000062%); highest among the groups gnomAD compares: Non-Finnish European, 0.000085%; no homozygotes.

Submission:

Labcorp Genetics (formerly Invitae), Labcorp
Classification: Pathogenic for MPI-congenital disorder of glycosylation. Last evaluated: 2022-01-26. Review status: criteria provided, single submitter. Criteria: Invitae Variant Classification Sherloc (09022015). Collection method: clinical testing. Allele origin: germline.
Comment: For these reasons, this variant has been classified as Pathogenic. This variant has not been reported in the literature in individuals affected with MPI-related conditions. This variant is not present in population databases (gnomAD no frequency). This sequence change creates a premature translational stop signal (p.Glu205*) in the MPI gene. It is expected to result in an absent or disrupted protein product. Loss-of-function variants in MPI are known to be pathogenic (PMID: 19862844).

Literature cited by the submitters: PubMed 19862844.

NM_002435.3(MPI):c.613G>T (p.Glu205Ter)

Gene: MPI (mannose phosphate isomerase; plus strand). Cytogenetic location: 15q24.1.
Variant type: single nucleotide variant.
Coding change: c.613G>T on transcript NM_002435.3 (MANE Select); coding-DNA position 613, G replaced by T.
Protein change: p.Glu205Ter; replaces glutamic acid 205 with a stop codon.
Molecular consequence: nonsense. On other transcripts: intron variant (1).
Genome position (GRCh38, 1-based): chr15:74,893,263, G>T. VCF-style: chr15-74893263-G-T. GRCh37 (hg19) VCF-style: chr15-75185604-G-T.
Other names: c.613G>T, p.Glu205Ter (NM_001289155.2); c.463G>T, p.Glu155Ter (NM_001289156.2); c.553G>T, p.Glu185Ter (NM_001330372.2); c.487+461G>T (NM_001289157.2); short protein forms E205*, E155*, E185*.
Identifiers: ClinVar variation 1961516 (VCV001961516.5), dbSNP rs2505817193, ClinGen allele CA393174665.